The following is an entry in ClinVar:

ClinVar aggregate classification (germline): Conflicting classifications of pathogenicity. Review status: criteria provided, conflicting classifications (1 of 4 stars). 5 submissions from 4 submitters: Uncertain significance (4); Benign (1). Last evaluated 2025-11-01.

Conditions:
NOTCH1-related disorder. Also called: NOTCH1-related condition; NOTCH1-related disorders.
Adams-Oliver syndrome 5 (AOS5). Identifiers: Orphanet 974, MedGen C4014970, MONDO:0014459, OMIM 616028.
Aortic valve disease 1 (AOVD1). Identifiers: MedGen C3887892, MONDO:0024523, OMIM 109730.

Allele frequency attached by ClinVar (database versions not stated): gnomAD 0.00001 and 0.00002; ExAC 0.00002; gnomAD exomes 0.00002 and 0.00004; TOPMed 0.00002.
gnomAD v4.1: 65 of 1,612,576 alleles (0.004%); highest among the groups gnomAD compares: Admixed American, 0.0083%; no homozygotes.

Submissions (5):

PreventionGenetics, part of Exact Sciences
Classification: Uncertain significance for NOTCH1-related condition. Last evaluated: 2025-11-01. Review status: criteria provided, single submitter. Criteria: ACMG Guidelines, 2015. Collection method: clinical testing. Allele origin: germline.
Comment: The NOTCH1 c.7157A>G variant is predicted to result in the amino acid substitution p.Gln2386Arg. To our knowledge, this variant has not been reported in the literature. This variant is reported in 0.012% of alleles in individuals of Latino descent in gnomAD. At this time, the clinical significance of this variant is uncertain due to the absence of conclusive functional and genetic evidence.

Labcorp Genetics (formerly Invitae), Labcorp
Classification: Benign for Adams-Oliver syndrome 5. Last evaluated: 2024-02-17. Review status: criteria provided, single submitter. Criteria: Invitae Variant Classification Sherloc (09022015). Collection method: clinical testing. Allele origin: germline.

Genome-Nilou Lab
Classification: Uncertain significance for Adams-Oliver syndrome 5. Last evaluated: 2022-03-15. Review status: criteria provided, single submitter. Criteria: ACMG Guidelines, 2015. Collection method: clinical testing. Allele origin: germline. Affected: no.

Genome-Nilou Lab
Classification: Uncertain significance for Aortic valve disease 1. Last evaluated: 2022-03-15. Review status: criteria provided, single submitter. Criteria: ACMG Guidelines, 2015. Collection method: clinical testing. Allele origin: germline. Affected: no.

GeneDx
Classification: Uncertain significance. Last evaluated: 2019-08-02. Review status: criteria provided, single submitter. Criteria: GeneDx Variant Classification Process June 2021. Collection method: clinical testing. Allele origin: germline. Affected: yes.
Comment: Has not been previously published as pathogenic or benign to our knowledge; In silico analysis, which includes protein predictors and evolutionary conservation, supports that this variant does not alter protein structure/function

NM_017617.5(NOTCH1):c.7157A>G (p.Gln2386Arg)

Gene: NOTCH1 (notch receptor 1; minus strand). Cytogenetic location: 9q34.3.
Variant type: single nucleotide variant.
Coding change: c.7157A>G on transcript NM_017617.5 (MANE Select); coding-DNA position 7157, A replaced by G.
Protein change: p.Gln2386Arg; replaces glutamine 2386 with arginine.
Molecular consequence: missense variant.
Genome position (GRCh38, 1-based): chr9:136,496,582, T>C on the plus strand (A>G on the coding strand, the complement: NOTCH1 is on the minus strand). VCF-style: chr9-136496582-T-C. GRCh37 (hg19) VCF-style: chr9-139391034-T-C.
Other names: c.7157A>G (NM_017617.4); short protein forms Q2386R.
Identifiers: ClinVar variation 1026412 (VCV001026412.14), dbSNP rs746658493, ClinGen allele CA5339740.